The following is an entry in ClinVar:

NM_001127464.1:c.1185A>C

Gene: ZNF469 (zinc finger protein 469; plus strand).
Variant type: single nucleotide variant.
Identifiers: ClinVar variation 4845024 (VCV004845024.1).

ClinVar aggregate classification (germline): Uncertain significance (1 of 4 stars; one submission).

Conditions:
Cardiovascular phenotype. Identifiers: MedGen CN230736.

Submission:

Ambry Genetics
Classification: Uncertain significance for Cardiovascular phenotype. Last evaluated: 2026-02-14. Review status: criteria provided, single submitter. Criteria: Ambry Variant Classification Scheme 2023. Collection method: clinical testing. Allele origin: germline.
Comment: The p.R395S variant (also known as c.1185A>C), located in coding exon 1 of the ZNF469 gene, results from an A to C substitution at nucleotide position 1185. The arginine at codon 395 is replaced by serine, an amino acid with dissimilar properties. This amino acid position is conserved. In addition, this alteration is predicted to be tolerated by in silico analysis. Based on the available evidence, the clinical significance of this variant remains unclear.